The following is an entry in ClinVar:

ClinVar aggregate classification (germline): Uncertain significance (1 of 4 stars; one submission).

Allele frequency attached by ClinVar (database versions not stated): gnomAD 0.00001; gnomAD exomes 0.00001; TOPMed 0.00001.

Submission:

Labcorp Genetics (formerly Invitae), Labcorp
Classification: Uncertain significance. Last evaluated: 2025-09-17. Review status: criteria provided, single submitter. Criteria: Invitae Variant Classification Sherloc (09022015). Collection method: clinical testing. Allele origin: germline.
Comment: This sequence change replaces lysine, which is basic and polar, with methionine, which is neutral and non-polar, at codon 86 of the CFB protein (p.Lys86Met). This variant is present in population databases (no rsID available, gnomAD 0.007%). This variant has not been reported in the literature in individuals affected with CFB-related conditions. ClinVar contains an entry for this variant (Variation ID: 2900083). Invitae Evidence Modeling of protein sequence and biophysical properties (such as structural, functional, and spatial information, amino acid conservation, physicochemical variation, residue mobility, and thermodynamic stability) indicates that this missense variant is not expected to disrupt CFB protein function with a negative predictive value of 80%. In summary, the available evidence is currently insufficient to determine the role of this variant in disease. Therefore, it has been classified as a Variant of Uncertain Significance.

NM_001710.6(CFB):c.257A>T (p.Lys86Met)

Gene: CFB (complement factor B; plus strand). Cytogenetic location: 6p21.33.
Variant type: single nucleotide variant.
Coding change: c.257A>T on transcript NM_001710.6 (MANE Select); coding-DNA position 257, A replaced by T.
Protein change: p.Lys86Met; replaces lysine 86 with methionine.
Molecular consequence: missense variant.
Genome position (GRCh38, 1-based): chr6:31,946,565, A>T. VCF-style: chr6-31946565-A-T. GRCh37 (hg19) VCF-style: chr6-31914342-A-T.
Other names: short protein forms K86M.
Identifiers: ClinVar variation 2900083 (VCV002900083.3), dbSNP rs1397526822, ClinGen allele CA363389527.
Genomic context (GRCh38, chr6:31,946,565, plus strand): 5'-TCTACCCGTACCCTGTGCAGACACGTACCTGCAGATCTACGGGGTCCTGGAGCACCCTGA[A>T]GACTCAAGACCAAAAGACTGTCAGGAAGGCAGAGTGCAGAGGTTTGAGGGCAATGAGTGT-3'
Protein context (NP_001701.2, residues 76-96): CRSTGSWSTL[Lys86Met]TQDQKTVRKA